The following is an entry in ClinVar:

NM_152468.5(TMC8):c.423del (p.Asp142fs)

Gene: TMC8 (transmembrane channel like 8; plus strand). Cytogenetic location: 17q25.3.
Variant type: Deletion.
Coding change: c.423del on transcript NM_152468.5 (MANE Select); coding-DNA position 423, one base deleted (T; older notation c.423delT).
Protein change: p.Asp142fs; shifts the reading frame from aspartic acid 142.
Molecular consequence: frameshift variant.
Genome position (GRCh38, 1-based): chr17:78,132,483, T deleted. VCF-style (leftmost placement, unchanged base first): chr17-78132482-CT-C. GRCh37 (hg19) VCF-style: chr17-76128563-CT-C.
Other names: short protein forms D142fs.
Identifiers: ClinVar variation 1961021 (VCV001961021.5), dbSNP rs771079712, ClinGen allele CA8796438.
Genomic context (GRCh38, chr17:78,132,482, plus strand): 5'-TGCTGAGCCTGCTGCTCACCGCAAGCTTCGTGCTGCTGCCCCTGGTCTGGCTCCGCCCCC[CT>C]GACCCAGGCCCCACCCTGAACTTGAGTGAGTGTGAGGCCCACCAGGGGAAGTGCTCCGGT-3'

ClinVar aggregate classification (germline): Pathogenic (1 of 4 stars; one submission).

Conditions:
Epidermodysplasia verruciformis. Identifiers: Orphanet 302, MedGen C0014522, MONDO:0009176.

Allele frequency attached by ClinVar (database versions not stated): gnomAD 0.00002; gnomAD exomes below 0.00001; TOPMed 0.00002; ExAC 0.00003.

Submission:

Labcorp Genetics (formerly Invitae), Labcorp
Classification: Pathogenic for Epidermodysplasia verruciformis. Last evaluated: 2025-03-18. Review status: criteria provided, single submitter. Criteria: Invitae Variant Classification Sherloc (09022015). Collection method: clinical testing. Allele origin: germline.
Comment: This sequence change creates a premature translational stop signal (p.Asp142Thrfs*6) in the TMC8 gene. It is expected to result in an absent or disrupted protein product. Loss-of-function variants in TMC8 are known to be pathogenic (PMID: 12426567, 22158547). The frequency data for this variant in the population databases is considered unreliable, as metrics indicate poor data quality at this position in the gnomAD database. This variant has not been reported in the literature in individuals affected with TMC8-related conditions. ClinVar contains an entry for this variant (Variation ID: 1961021). For these reasons, this variant has been classified as Pathogenic.

Literature cited by the submitters: PubMed 12426567; PubMed 22158547.